The following is an entry in ClinVar:

ClinVar aggregate classification (germline): Likely benign (1 of 4 stars; one submission).

Allele frequency attached by ClinVar (database versions not stated): 1000 Genomes Project 0.00379; 1000 Genomes Project 30x 0.00422; TOPMed 0.00553; gnomAD 0.00605.
gnomAD v4.1: 9,377 of 1,210,888 alleles (0.77%); highest among the groups gnomAD compares: Non-Finnish European, 0.93%; 52 homozygotes.

Submission:

GeneDx
Classification: Likely benign. Last evaluated: 2018-06-14. Review status: criteria provided, single submitter. Criteria: GeneDx Variant Classification (06012015). Collection method: clinical testing. Allele origin: germline. Affected: yes.
Comment: This variant is considered likely benign or benign based on one or more of the following criteria: it is a conservative change, it occurs at a poorly conserved position in the protein, it is predicted to be benign by multiple in silico algorithms, and/or has population frequency not consistent with disease.

NM_017617.5(NOTCH1):c.1100-141C>G

Gene: NOTCH1 (notch receptor 1; minus strand). Cytogenetic location: 9q34.3.
Variant type: single nucleotide variant.
Coding change: c.1100-141C>G on transcript NM_017617.5 (MANE Select); 141 bases into the intron before coding-DNA position 1100, C replaced by G.
Molecular consequence: intron variant.
Genome position (GRCh38, 1-based): chr9:136,518,433, G>C on the plus strand (C>G on the coding strand, the complement: NOTCH1 is on the minus strand). VCF-style: chr9-136518433-G-C. GRCh37 (hg19) VCF-style: chr9-139412885-G-C.
Identifiers: ClinVar variation 679097 (VCV000679097.1), dbSNP rs149384840, ClinGen allele CA201587642.